The following is an entry in ClinVar:

NM_022437.3(ABCG8):c.1533C>A (p.Tyr511Ter)

Gene: ABCG8 (ATP binding cassette subfamily G member 8; plus strand). Cytogenetic location: 2p21.
Variant type: single nucleotide variant.
Coding change: c.1533C>A on transcript NM_022437.3 (MANE Select); coding-DNA position 1533, C replaced by A.
Protein change: p.Tyr511Ter; replaces tyrosine 511 with a stop codon.
Molecular consequence: nonsense.
Genome position (GRCh38, 1-based): chr2:43,875,190, C>A. VCF-style: chr2-43875190-C-A. GRCh37 (hg19) VCF-style: chr2-44102329-C-A.
Other names: c.1530C>A, p.Tyr510Ter (NM_001357321.2); short protein forms Y510*, Y511*.
Identifiers: ClinVar variation 4613346 (VCV004613346.1).
Genomic context (GRCh38, chr2:43,875,190, plus strand): 5'-GGGCTGTTCTTTGCAGATCCTCGGGGAGCTTCCGGAGCACTGTGCCTACATCATCATCTA[C>A]GGGATGCCCACCTACTGGCTGGCCAACCTGAGGCCAGGCCTCCAGCCCTTCCTGCTGCAC-3'

ClinVar aggregate classification (germline): Pathogenic (1 of 4 stars; one submission).

Conditions:
Cardiovascular phenotype. Identifiers: MedGen CN230736.

Submission:

Ambry Genetics
Classification: Pathogenic for Cardiovascular phenotype. Last evaluated: 2025-10-16. Review status: criteria provided, single submitter. Criteria: Ambry Variant Classification Scheme 2023. Collection method: clinical testing. Allele origin: germline.
Comment: The p.Y511* pathogenic mutation (also known as c.1533C>A), located in coding exon 11 of the ABCG8 gene, results from a C to A substitution at nucleotide position 1533. This changes the amino acid from a tyrosine to a stop codon within coding exon 11. This alteration is expected to result in loss of function by premature protein truncation or nonsense-mediated mRNA decay. As such, this alteration is interpreted as a disease-causing mutation.